The following is an entry in ClinVar:

NM_001270974.2(HYDIN):c.7852G>A (p.Val2618Ile)

Gene: HYDIN (HYDIN axonemal central pair apparatus protein; minus strand). Cytogenetic location: 16q22.2.
Variant type: single nucleotide variant.
Coding change: c.7852G>A on transcript NM_001270974.2 (MANE Select); coding-DNA position 7852, G replaced by A.
Protein change: p.Val2618Ile; replaces valine 2618 with isoleucine.
Molecular consequence: missense variant.
Genome position (GRCh38, 1-based): chr16:70,918,363, C>T on the plus strand (G>A on the coding strand, the complement: HYDIN is on the minus strand). VCF-style: chr16-70918363-C-T. GRCh37 (hg19) VCF-style: chr16-70952266-C-T.
Other names: short protein forms V2618I.
Identifiers: ClinVar variation 3250601 (VCV003250601.18), dbSNP rs199902409.
Genomic context (GRCh38, chr16:70,918,363, plus strand): 5'-ATACAAAATGCTCCAGGTCGTCTGTCATGGTCAAAGGTGGCCGCTTCACCGGGTAGGAGA[C>T]GATTGAGAATAAGGCGGGAGGCGGGATGGGTGGTCCGGAGGCACCCAGACCCAAGATGTC-3'
Protein context (NP_001257903.1, residues 2608-2628): PIPPPALFSI[Val2618Ile]SYPVKRPPLT

ClinVar aggregate classification (germline): Likely benign (1 of 4 stars; one submission).

Allele frequency attached by ClinVar (database versions not stated): gnomAD exomes 0.00039; 1000 Genomes Project 0.00040; 1000 Genomes Project 30x 0.00047; gnomAD 0.00048; ExAC 0.00183.
gnomAD v4.1: 343 of 779,286 alleles (0.044%); highest among the groups gnomAD compares: Middle Eastern, 0.038%; 2 homozygotes.

Submission:

CeGaT Center for Human Genetics Tuebingen
Classification: Likely benign. Last evaluated: 2026-04-01. Review status: criteria provided, single submitter. Criteria: CeGaT Center For Human Genetics Tuebingen Variant Classification Criteria Version 2. Collection method: clinical testing. Allele origin: germline. Affected: yes. Observed: 2 variant alleles.
Comment: HYDIN: BP4, BS1